The following is an entry in ClinVar:

ClinVar aggregate classification (germline): Uncertain significance (1 of 4 stars; one submission).

Conditions:
Facioscapulohumeral muscular dystrophy 2 (FSHD2). Also called: MUSCULAR DYSTROPHY, FACIOSCAPULOHUMERAL, TYPE 1B; FACIOSCAPULOHUMERAL MUSCULAR DYSTROPHY 2, DIGENIC; FSHD2, DIGENIC. Identifiers: Orphanet 269, MedGen C1834671, MONDO:0008031, OMIM 158901.

Allele frequency attached by ClinVar (database versions not stated): gnomAD 0.00001; gnomAD exomes 0.00002; TOPMed 0.00002.
gnomAD v4.1: 31 of 1,570,492 alleles (0.002%); highest among the groups gnomAD compares: Non-Finnish European, 0.0027%; no homozygotes.

Submission:

Labcorp Genetics (formerly Invitae), Labcorp
Classification: Uncertain significance for Facioscapulohumeral muscular dystrophy 2. Last evaluated: 2021-12-29. Review status: criteria provided, single submitter. Criteria: Invitae Variant Classification Sherloc (09022015). Collection method: clinical testing. Allele origin: germline.
Comment: This sequence change replaces serine, which is neutral and polar, with arginine, which is basic and polar, at codon 1719 of the SMCHD1 protein (p.Ser1719Arg). This variant is present in population databases (no rsID available, gnomAD 0.008%). This variant has not been reported in the literature in individuals affected with SMCHD1-related conditions. Algorithms developed to predict the effect of missense changes on protein structure and function are either unavailable or do not agree on the potential impact of this missense change (SIFT: "Deleterious"; PolyPhen-2: "Benign"; Align-GVGD: "Class C0"). In summary, the available evidence is currently insufficient to determine the role of this variant in disease. Therefore, it has been classified as a Variant of Uncertain Significance.

NM_015295.3(SMCHD1):c.5157T>A (p.Ser1719Arg)

Gene: SMCHD1 (structural maintenance of chromosomes flexible hinge domain containing 1; plus strand). Cytogenetic location: 18p11.32.
Variant type: single nucleotide variant.
Coding change: c.5157T>A on transcript NM_015295.3 (MANE Select); coding-DNA position 5157, T replaced by A.
Protein change: p.Ser1719Arg; replaces serine 1719 with arginine.
Molecular consequence: missense variant.
Genome position (GRCh38, 1-based): chr18:2,772,354, T>A. VCF-style: chr18-2772354-T-A. GRCh37 (hg19) VCF-style: chr18-2772352-T-A.
Other names: short protein forms S1719R.
Identifiers: ClinVar variation 2177708 (VCV002177708.4), dbSNP rs912052573, ClinGen allele CA295487163.